The following is an entry in ClinVar:

NM_001378454.1(ALMS1):c.11017C>A (p.Leu3673Ile)

Gene: ALMS1 (ALMS1 centrosome and basal body associated protein; plus strand). Cytogenetic location: 2p13.1.
Variant type: single nucleotide variant.
Coding change: c.11017C>A on transcript NM_001378454.1 (MANE Select); coding-DNA position 11017, C replaced by A.
Protein change: p.Leu3673Ile; replaces leucine 3673 with isoleucine.
Molecular consequence: missense variant.
Genome position (GRCh38, 1-based): chr2:73,572,894, C>A. VCF-style: chr2-73572894-C-A. GRCh37 (hg19) VCF-style: chr2-73800021-C-A.
Other names: c.11020C>A, p.Leu3674Ile (NM_015120.4); short protein forms L3674I, L3673I.
Identifiers: ClinVar variation 194660 (VCV000194660.15), dbSNP rs549757247, ClinGen allele CA240750.

ClinVar aggregate classification (germline): Conflicting classifications of pathogenicity. Review status: criteria provided, conflicting classifications (1 of 4 stars). 7 submissions from 7 submitters: Uncertain significance (4); Likely benign (1). 2 of the submissions do not count toward it. Last evaluated 2024-08-28.

Conditions:
Cardiovascular phenotype. Identifiers: MedGen CN230736.
Alstrom syndrome (ALMS). Identifiers: Orphanet 64, MedGen C0268425, MONDO:0008763, OMIM 203800.

Allele frequency attached by ClinVar (database versions not stated): gnomAD exomes 0.00001 and 0.00003; ExAC 0.00002; TOPMed 0.00006; gnomAD 0.00009; 1000 Genomes Project 0.00020; 1000 Genomes Project 30x 0.00031.
gnomAD v4.1: 31 of 1,613,900 alleles (0.0019%); highest among the groups gnomAD compares: African/African-American, 0.024%; no homozygotes.

Submissions (7):

Blueprint Genetics
Classification: Uncertain significance. Last evaluated: 2024-08-28. Review status: criteria provided, single submitter. Criteria: ACMG Guidelines, 2015. Collection method: clinical testing. Allele origin: germline.

Ambry Genetics
Classification: Likely benign for Cardiovascular phenotype. Last evaluated: 2024-05-14. Review status: criteria provided, single submitter. Criteria: Ambry Variant Classification Scheme 2023. Collection method: clinical testing. Allele origin: germline.

Labcorp Genetics (formerly Invitae), Labcorp
Classification: Uncertain significance for Alstrom syndrome. Last evaluated: 2022-10-04. Review status: criteria provided, single submitter. Criteria: Invitae Variant Classification Sherloc (09022015). Collection method: clinical testing. Allele origin: germline.
Comment: This sequence change replaces leucine, which is neutral and non-polar, with isoleucine, which is neutral and non-polar, at codon 3674 of the ALMS1 protein (p.Leu3674Ile). This variant is present in population databases (rs549757247, gnomAD 0.04%). This variant has not been reported in the literature in individuals affected with ALMS1-related conditions. ClinVar contains an entry for this variant (Variation ID: 194660). Experimental studies and prediction algorithms are not available or were not evaluated, and the functional significance of this variant is currently unknown. In summary, the available evidence is currently insufficient to determine the role of this variant in disease. Therefore, it has been classified as a Variant of Uncertain Significance.

GeneDx
Classification: Uncertain significance. Last evaluated: 2022-05-31. Review status: criteria provided, single submitter. Criteria: GeneDx Variant Classification Process June 2021. Collection method: clinical testing. Allele origin: germline. Affected: yes.
Comment: In silico analysis supports that this missense variant does not alter protein structure/function; Has not been previously published as pathogenic or benign to our knowledge; This variant is associated with the following publications: (PMID: 26582918)

Eurofins Ntd Llc (ga)
Classification: Uncertain significance. Last evaluated: 2014-08-21. Review status: criteria provided, single submitter. Criteria: EGL Classification Definitions 2015. Collection method: clinical testing. Allele origin: germline. Observed: 1 variant allele, 1 heterozygote.

Natera, Inc.
Classification: Uncertain significance for Alstrom syndrome. Last evaluated: 2020-09-16. Review status: no assertion criteria provided. Collection method: clinical testing. Allele origin: germline. Not counted in ClinVar's aggregate classification.

Counsyl
Classification: Uncertain significance for Alstrom syndrome. Last evaluated: 2017-03-29. Review status: no assertion criteria provided. Collection method: clinical testing. Allele origin: unknown. Not counted in ClinVar's aggregate classification.

Literature cited by the submitters: PubMed 36413997 (cited by Ambry Genetics).